The following is an entry in ClinVar:

ClinVar aggregate classification (germline): Likely pathogenic. Review status: reviewed by expert panel (3 of 4 stars). 2 submissions from 2 submitters: Likely pathogenic (1). 1 of the submissions does not count toward it. Last evaluated 2026-07-06.

Conditions:
Mucopolysaccharidosis type 1. Also called: IDUA deficiency; MPS I; Mucopolysaccharidosis Type I. Identifiers: Orphanet 579, MedGen C0023786, MONDO:0001586.

gnomAD v4.1: 1 of 1,533,390 alleles (0.000065%); highest among the groups gnomAD compares: Admixed American, 0.002%; no homozygotes.

Submissions (2):

ClinGen Lysosomal Storage Disorder Variant Curation Expert Panel
Classification: Likely pathogenic for Mucopolysaccharidosis type 1. Last evaluated: 2026-07-06. Review status: reviewed by expert panel. Criteria: ClinGen LSD ACMG Specifications IDUA V1.2.0. Collection method: curation. Allele origin: germline. Inheritance: Autosomal recessive inheritance.
Comment: The NM_000203.5:c.1189+1G>T variant in IDUA occurs within the canonical splice donor site of intron 8. It is predicted to cause skipping of biologically-relevant-exon 8 out of 14, resulting in a frameshift leading to nonsense mediated decay in a gene in which loss-of-function is an established disease mechanism (PVS1). The highest population minor allele frequency in gnomAD v4.1.0 is 0.00002 (1/50320 alleles) in the Admixed American population, which is lower than the ClinGen Lysosomal Diseases VCEP’s threshold for PM2_Supporting (<0.00025), meeting this criterion (PM2_Supporting). The combination of one Very Strong criterion and one Supporting criterion reach a classification of Likely pathogenic. This combination rule is supported by the Bayesian framework which shows that one Very Strong Pathogenic criterion and one Supporting Pathogenic criterion results in Post_P of 0.988, which falls within the Likely pathogenic range (0.90-0.99). In summary, this variant meets the criteria to be classified as likely pathogenic for MPS I based on the ACMG/AMP criteria applied, as specified by the ClinGen Lysosomal Diseases Variant Curation Expert Panel (Specifications Version 1.2.0): PVS1; PM2_supporting (Classification approved by the ClinGen Lysosomal Diseases Variant Curation Expert Panel on July 6, 2026)

Revvity Omics, Revvity
Classification: Likely pathogenic. Last evaluated: 2024-01-15. Review status: criteria provided, single submitter. Criteria: ACMG Guidelines, 2015. Collection method: clinical testing. Allele origin: germline. Not counted in ClinVar's aggregate classification.

NM_000203.5(IDUA):c.1189+1G>T

Gene: IDUA (alpha-L-iduronidase; plus strand). Cytogenetic location: 4p16.3.
Variant type: single nucleotide variant.
Coding change: c.1189+1G>T on transcript NM_000203.5 (MANE Select); the canonical splice donor site of the intron after coding-DNA position 1189, G replaced by T.
Molecular consequence: splice donor variant.
Genome position (GRCh38, 1-based): chr4:1,002,486, G>T. VCF-style: chr4-1002486-G-T. GRCh37 (hg19) VCF-style: chr4-996274-G-T.
Other names: c.793+1G>T (NM_001363576.1).
Identifiers: ClinVar variation 4081452 (VCV004081452.2).